The following is an entry in ClinVar:

NM_006852.6(TLK2):c.1819G>A (p.Asp607Asn)

Gene: TLK2 (tousled like kinase 2; plus strand). Cytogenetic location: 17q23.2.
Variant type: single nucleotide variant.
Coding change: c.1819G>A on transcript NM_006852.6 (MANE Select); coding-DNA position 1819, G replaced by A.
Protein change: p.Asp607Asn; replaces aspartic acid 607 with asparagine.
Molecular consequence: missense variant.
Genome position (GRCh38, 1-based): chr17:62,602,140, G>A. VCF-style: chr17-62602140-G-A. GRCh37 (hg19) VCF-style: chr17-60679501-G-A.
Other names: c.1885G>A, p.Asp629Asn (NM_001284333.3); c.1723G>A, p.Asp575Asn (NM_001284363.1, NM_001375272.1); c.1372G>A, p.Asp458Asn (NM_001330418.3, NM_001375273.1); c.1861G>A, p.Asp621Asn (NM_001375269.1); c.1819G>A, p.Asp607Asn (NM_001375270.1, NM_001375271.1); short protein forms D458N, D575N, D607N, D629N, D621N.
Identifiers: ClinVar variation 617906 (VCV000617906.1), dbSNP rs1568006217, ClinGen allele CA400512578.

ClinVar aggregate classification (germline): Likely pathogenic (1 of 4 stars; one submission).

Conditions:
Intellectual developmental disorder, autosomal dominant 57. Also called: MENTAL RETARDATION, AUTOSOMAL DOMINANT 57; Intellectual disability, autosomal dominant 57. Identifiers: MedGen C4748003, MONDO:0054837, OMIM 618050.

Submission:

SIB Swiss Institute of Bioinformatics
Classification: Likely pathogenic for Intellectual developmental disorder, autosomal dominant 57. Last evaluated: 2018-10-15. Review status: criteria provided, single submitter. Criteria: ACMG Guidelines, 2015. Collection method: curation. Allele origin: germline.
Comment: This variant is interpreted as Likely Pathogenic, for Mental retardation, autosomal dominant 57. The following ACMG Tag(s) were applied: PM2 => Absent from controls (or at extremely low frequency if recessive) in Exome Sequencing Project, 1000 Genomes Project, or Exome Aggregation Consortium. PM6 => Assumed de novo, but without confirmation of paternity and maternity (PubMed 29861108). PM1 => Located in a mutational hot spot and/or critical and well-established functional domain (e.g., active site of an enzyme) without benign variation.

Literature cited by the submitters: PubMed 29861108.